The following is an entry in ClinVar:

ClinVar aggregate classification (germline): Uncertain significance. Review status: criteria provided, multiple submitters, no conflicts (2 of 4 stars). 3 submissions from 3 submitters: Uncertain significance (3). Last evaluated 2025-07-15.

Conditions:
Inborn genetic diseases. Identifiers: MedGen C0950123, MeSH D030342.

Allele frequency attached by ClinVar (database versions not stated): gnomAD 0.00004 and 0.00005; TOPMed 0.00007.
gnomAD v4.1: 16 of 1,614,030 alleles (0.00099%); highest among the groups gnomAD compares: African/African-American, 0.02%; no homozygotes.

Submissions (3):

Ambry Genetics
Classification: Uncertain significance for Inborn genetic diseases. Last evaluated: 2025-07-15. Review status: criteria provided, single submitter. Criteria: Ambry Variant Classification Scheme 2023. Collection method: clinical testing. Allele origin: germline.

Labcorp Genetics (formerly Invitae), Labcorp
Classification: Uncertain significance. Last evaluated: 2022-08-22. Review status: criteria provided, single submitter. Criteria: Invitae Variant Classification Sherloc (09022015). Collection method: clinical testing. Allele origin: germline.
Comment: In summary, the available evidence is currently insufficient to determine the role of this variant in disease. Therefore, it has been classified as a Variant of Uncertain Significance. Algorithms developed to predict the effect of missense changes on protein structure and function (SIFT, PolyPhen-2, Align-GVGD) all suggest that this variant is likely to be tolerated. ClinVar contains an entry for this variant (Variation ID: 971341). This variant has not been reported in the literature in individuals affected with TRPM1-related conditions. This variant is present in population databases (no rsID available, gnomAD 0.03%). This sequence change replaces proline, which is neutral and non-polar, with threonine, which is neutral and polar, at codon 19 of the TRPM1 protein (p.Pro19Thr).

Blueprint Genetics
Classification: Uncertain significance. Last evaluated: 2018-11-29. Review status: criteria provided, single submitter. Criteria: ACMG Guidelines, 2015. Collection method: clinical testing. Allele origin: germline.

NM_001252024.2(TRPM1):c.121C>A (p.Pro41Thr)

Gene: TRPM1 (transient receptor potential cation channel subfamily M member 1; minus strand). Cytogenetic location: 15q13.3.
Variant type: single nucleotide variant.
Coding change: c.121C>A on transcript NM_001252024.2 (MANE Select); coding-DNA position 121, C replaced by A.
Protein change: p.Pro41Thr; replaces proline 41 with threonine.
Molecular consequence: missense variant.
Genome position (GRCh38, 1-based): chr15:31,070,189, G>T on the plus strand (C>A on the coding strand, the complement: TRPM1 is on the minus strand). VCF-style: chr15-31070189-G-T. GRCh37 (hg19) VCF-style: chr15-31362392-G-T.
Other names: c.55C>A (NM_002420.4); c.172C>A, p.Pro58Thr (NM_001252020.2); c.55C>A, p.Pro19Thr (NM_001252030.2, NM_002420.6); short protein forms P41T, P58T, P19T.
Identifiers: ClinVar variation 971341 (VCV000971341.8), dbSNP rs761314000, ClinGen allele CA267502145.